The following is an entry in ClinVar:

NM_005393.3(PLXNB3):c.3247G>A (p.Ala1083Thr)

Gene: PLXNB3 (plexin B3; plus strand). Cytogenetic location: Xq28.
Variant type: single nucleotide variant.
Coding change: c.3247G>A on transcript NM_005393.3 (MANE Select); coding-DNA position 3247, G replaced by A.
Protein change: p.Ala1083Thr; replaces alanine 1083 with threonine.
Molecular consequence: missense variant.
Genome position (GRCh38, 1-based): chrX:153,773,681, G>A. VCF-style: chrX-153773681-G-A. GRCh37 (hg19) VCF-style: chrX-153039136-G-A.
Other names: c.3316G>A, p.Ala1106Thr (NM_001163257.2); short protein forms A1083T, A1106T.
Identifiers: ClinVar variation 2661725 (VCV002661725.24), dbSNP rs1557062850, ClinGen allele CA415120817.

ClinVar aggregate classification (germline): Uncertain significance (1 of 4 stars; one submission).

Allele frequency attached by ClinVar (database versions not stated): gnomAD exomes below 0.00001.
gnomAD v4.1: 2 of 1,170,514 alleles (0.00017%); highest among the groups gnomAD compares: African/African-American, 0.0018%; no homozygotes.

Submission:

CeGaT Center for Human Genetics Tuebingen
Classification: Uncertain significance. Last evaluated: 2022-03-01. Review status: criteria provided, single submitter. Criteria: CeGaT Center For Human Genetics Tuebingen Variant Classification Criteria Version 2. Collection method: clinical testing. Allele origin: germline. Affected: yes. Observed: 1 variant allele.
Comment: PLXNB3: PM2